The following is an entry in ClinVar:

NM_000245.4(MET):c.1480C>T (p.His494Tyr)

Gene: MET (MET proto-oncogene, receptor tyrosine kinase; plus strand). Cytogenetic location: 7q31.2.
Variant type: single nucleotide variant.
Coding change: c.1480C>T on transcript NM_000245.4 (MANE Select); coding-DNA position 1480, C replaced by T.
Protein change: p.His494Tyr; replaces histidine 494 with tyrosine.
Molecular consequence: missense variant.
Genome position (GRCh38, 1-based): chr7:116,740,037, C>T. VCF-style: chr7-116740037-C-T. GRCh37 (hg19) VCF-style: chr7-116380091-C-T.
Other names: c.1480C>T, p.His494Tyr (NM_001127500.3, NM_001324401.3); c.190C>T, p.His64Tyr (NM_001324402.2); short protein forms H64Y, H494Y.
Identifiers: ClinVar variation 3682786 (VCV003682786.2).

ClinVar aggregate classification (germline): Uncertain significance (1 of 4 stars; one submission).

Conditions:
Renal cell carcinoma. Identifiers: Orphanet 217071, MedGen C0007134, MeSH D002292, MONDO:0005086, HP:0005584.

gnomAD v4.1: 1 of 1,614,096 alleles (0.000062%); highest among the groups gnomAD compares: South Asian, 0.0011%; no homozygotes.

Submission:

Labcorp Genetics (formerly Invitae), Labcorp
Classification: Uncertain significance for Renal cell carcinoma. Last evaluated: 2024-08-01. Review status: criteria provided, single submitter. Criteria: Invitae Variant Classification Sherloc (09022015). Collection method: clinical testing. Allele origin: germline.
Comment: This sequence change replaces histidine, which is basic and polar, with tyrosine, which is neutral and polar, at codon 494 of the MET protein (p.His494Tyr). This variant is not present in population databases (gnomAD no frequency). This variant has not been reported in the literature in individuals affected with MET-related conditions. An algorithm developed to predict the effect of missense changes on protein structure and function (PolyPhen-2) suggests that this variant is likely to be tolerated. In summary, the available evidence is currently insufficient to determine the role of this variant in disease. Therefore, it has been classified as a Variant of Uncertain Significance.